The following is an entry in ClinVar:

NM_014855.3(AP5Z1):c.2010C>A (p.Phe670Leu)

Gene: AP5Z1 (adaptor related protein complex 5 subunit zeta 1; plus strand). Cytogenetic location: 7p22.1.
Variant type: single nucleotide variant.
Coding change: c.2010C>A on transcript NM_014855.3 (MANE Select); coding-DNA position 2010, C replaced by A.
Protein change: p.Phe670Leu; replaces phenylalanine 670 with leucine.
Molecular consequence: missense variant. On other transcripts: non-coding transcript variant (1).
Genome position (GRCh38, 1-based): chr7:4,790,744, C>A. VCF-style: chr7-4790744-C-A. GRCh37 (hg19) VCF-style: chr7-4830375-C-A.
Other names: c.1542C>A, p.Phe514Leu (NM_001364858.1); short protein forms F514L, F670L.
Identifiers: ClinVar variation 1303478 (VCV001303478.10), dbSNP rs750796286, ClinGen allele CA4138261.

ClinVar aggregate classification (germline): Uncertain significance. Review status: criteria provided, multiple submitters, no conflicts (2 of 4 stars). 4 submissions from 4 submitters: Uncertain significance (4). Last evaluated 2024-02-24.

Conditions:
Hereditary spastic paraplegia 48. Also called: Spastic paraplegia 48; SPASTIC PARAPLEGIA 48, AUTOSOMAL RECESSIVE. Identifiers: Orphanet 306511, MedGen C3150901, MONDO:0013342, OMIM 613647.

Allele frequency attached by ClinVar (database versions not stated): ExAC 0.00005; TOPMed 0.00006; gnomAD 0.00007.
gnomAD v4.1: 43 of 1,609,712 alleles (0.0027%); highest among the groups gnomAD compares: African/African-American, 0.037%; no homozygotes.

Submissions (4):

Labcorp Genetics (formerly Invitae), Labcorp
Classification: Uncertain significance for Hereditary spastic paraplegia 48. Last evaluated: 2024-02-24. Review status: criteria provided, single submitter. Criteria: Invitae Variant Classification Sherloc (09022015). Collection method: clinical testing. Allele origin: germline.
Comment: This sequence change replaces phenylalanine, which is neutral and non-polar, with leucine, which is neutral and non-polar, at codon 670 of the AP5Z1 protein (p.Phe670Leu). This variant is present in population databases (rs750796286, gnomAD 0.03%). This missense change has been observed in individual(s) with hereditary spastic paraplegia (PMID: 27606357). ClinVar contains an entry for this variant (Variation ID: 1303478). Advanced modeling of protein sequence and biophysical properties (such as structural, functional, and spatial information, amino acid conservation, physicochemical variation, residue mobility, and thermodynamic stability) performed at Invitae indicates that this missense variant is expected to disrupt AP5Z1 protein function with a positive predictive value of 80%. In summary, the available evidence is currently insufficient to determine the role of this variant in disease. Therefore, it has been classified as a Variant of Uncertain Significance.

Revvity Omics, Revvity
Classification: Uncertain significance for Hereditary spastic paraplegia 48. Last evaluated: 2024-02-02. Review status: criteria provided, single submitter. Criteria: ACMG Guidelines, 2015. Collection method: clinical testing. Allele origin: germline.

GeneDx
Classification: Uncertain significance. Last evaluated: 2021-01-26. Review status: criteria provided, single submitter. Criteria: GeneDx Variant Classification Process June 2021. Collection method: clinical testing. Allele origin: germline. Affected: yes.
Comment: In silico analysis supports that this missense variant has a deleterious effect on protein structure/function; Observed with the T167N variant in a patient with spastic paraplegia as well as intellectual disability, leukoencephalopathy, myoclonus, and dystonia in the published literature, but it is not known whether the variants occurred on the same (in cis) or on different (in trans) chromosomes (Hirst et al., 2016); This variant is associated with the following publications: (PMID: 27606357)

Neuberg Centre For Genomic Medicine, NCGM
Classification: Uncertain significance for Hereditary spastic paraplegia 48. Review status: criteria provided, single submitter. Criteria: ACMG Guidelines, 2015. Collection method: clinical testing. Allele origin: germline. Affected: yes.
Comment: The missense variant p.F670L in AP5Z1 (NM_014855.3) has been reported previously in compound heterozygous state with c.500C>A. The p.F670L variant is observed in 4/14,450 (0.0277%) alleles from individuals of African background in gnomAD Exomes and is novel (not in any individuals) in 1000 Genomes. In silico tools predict a damaging effect and the residue is semi-conserved across species. For these reasons, this variant has been classified as Uncertain Significance

Literature cited by the submitters: PubMed 27606357 (cited by Labcorp Genetics (formerly Invitae), Labcorp).